The following is an entry in ClinVar:

NM_001035.3(RYR2):c.1954G>A (p.Val652Ile)

Gene: RYR2 (ryanodine receptor 2; plus strand). Cytogenetic location: 1q43.
Variant type: single nucleotide variant.
Coding change: c.1954G>A on transcript NM_001035.3 (MANE Select); coding-DNA position 1954, G replaced by A.
Protein change: p.Val652Ile; replaces valine 652 with isoleucine.
Molecular consequence: missense variant.
Genome position (GRCh38, 1-based): chr1:237,493,080, G>A. VCF-style: chr1-237493080-G-A. GRCh37 (hg19) VCF-style: chr1-237656380-G-A.
Other names: short protein forms V652I.
Identifiers: ClinVar variation 3071864 (VCV003071864.1), dbSNP rs2545803760, ClinGen allele CA345389904.

ClinVar aggregate classification (germline): Uncertain significance (1 of 4 stars; one submission).

Conditions:
Catecholaminergic polymorphic ventricular tachycardia (CVPT). Also called: Catecholamine-induced polymorphic ventricular tachycardia. Identifiers: Orphanet 3286, MedGen C5574922, MONDO:0017990.

Allele frequency attached by ClinVar (database versions not stated): gnomAD exomes below 0.00001.
gnomAD v4.1: 1 of 1,613,612 alleles (0.000062%); highest among the groups gnomAD compares: Non-Finnish European, 0.000085%; no homozygotes.

Submission:

All of Us Research Program, National Institutes of Health
Classification: Uncertain significance for Catecholaminergic polymorphic ventricular tachycardia. Last evaluated: 2023-06-26. Review status: criteria provided, single submitter. Criteria: ACMG Guidelines, 2015. Collection method: clinical testing. Allele origin: germline. Inheritance: Autosomal dominant inheritance. Observed: 1 variant allele, 1 heterozygote.
Comment: This missense variant replaces valine with isoleucine at codon 652 of the RYR2 protein. Computational prediction suggests that this variant may not impact protein structure and function (internally defined REVEL score threshold <= 0.5, PMID: 27666373). To our knowledge, functional studies have not been reported for this variant. This variant has not been reported in individuals affected with RYR2-related disorders in the literature. This variant has not been identified in the general population by the Genome Aggregation Database (gnomAD). The available evidence is insufficient to determine the role of this variant in disease conclusively. Therefore, this variant is classified as a Variant of Uncertain Significance.

This study involves interpretation of variants in research participants for the purpose of population health screening. Participant phenotype was not available at the time of variant classification. Additional details can be found in publication PMID: 35346344, PMCID: PMC8962531